The following is an entry in ClinVar:

ClinVar aggregate classification (germline): Uncertain significance. Review status: criteria provided, multiple submitters, no conflicts (2 of 4 stars). 2 submissions from 2 submitters: Uncertain significance (2). Last evaluated 2025-05-29.

Conditions:
Cardiovascular phenotype. Identifiers: MedGen CN230736.

Submissions (2):

Ambry Genetics
Classification: Uncertain significance for Cardiovascular phenotype. Last evaluated: 2025-05-29. Review status: criteria provided, single submitter. Criteria: Ambry Variant Classification Scheme 2023. Collection method: clinical testing. Allele origin: germline.
Comment: The p.P3137S variant (also known as c.9409C>T), located in coding exon 26 of the TNXB gene, results from a C to T substitution at nucleotide position 9409. The proline at codon 3137 is replaced by serine, an amino acid with similar properties. This amino acid position is conserved. In addition, this alteration is predicted to be tolerated by in silico analysis. Based on the available evidence, the clinical significance of this variant remains unclear.

GeneDx
Classification: Uncertain significance. Last evaluated: 2022-12-16. Review status: criteria provided, single submitter. Criteria: GeneDx Variant Classification Process June 2021. Collection method: clinical testing. Allele origin: germline. Affected: yes.
Comment: Has not been previously published as pathogenic or benign to our knowledge; Not observed at significant frequency in large population cohorts (gnomAD); In silico analysis supports that this missense variant has a deleterious effect on protein structure/function

NM_001365276.2(TNXB):c.9415C>T (p.Pro3139Ser)

Gene: TNXB (tenascin XB; minus strand). Cytogenetic location: 6p21.33.
Variant type: single nucleotide variant.
Coding change: c.9415C>T on transcript NM_001365276.2 (MANE Select); coding-DNA position 9415, C replaced by T.
Protein change: p.Pro3139Ser; replaces proline 3139 with serine.
Molecular consequence: missense variant.
Genome position (GRCh38, 1-based): chr6:32,050,022, G>A on the plus strand (C>T on the coding strand, the complement: TNXB is on the minus strand). VCF-style: chr6-32050022-G-A. GRCh37 (hg19) VCF-style: chr6-32017799-G-A.
Other names: c.9409C>T, p.Pro3137Ser (NM_019105.8); short protein forms P3137S, P3139S.
Identifiers: ClinVar variation 2505734 (VCV002505734.2), dbSNP rs2483430368, ClinGen allele CA363539944.